The following is an entry in ClinVar:

NM_006914.4(RORB):c.692T>C (p.Met231Thr)

Gene: RORB (RAR related orphan receptor B; plus strand). Cytogenetic location: 9q21.13.
Variant type: single nucleotide variant.
Coding change: c.692T>C on transcript NM_006914.4 (MANE Select); coding-DNA position 692, T replaced by C.
Protein change: p.Met231Thr; replaces methionine 231 with threonine.
Molecular consequence: missense variant.
Genome position (GRCh38, 1-based): chr9:74,660,671, T>C. VCF-style: chr9-74660671-T-C. GRCh37 (hg19) VCF-style: chr9-77275587-T-C.
Other names: c.725T>C, p.Met242Thr (NM_001365023.1); short protein forms M231T, M242T.
Identifiers: ClinVar variation 1996725 (VCV001996725.4), dbSNP rs2489621785, ClinGen allele CA373770472.

ClinVar aggregate classification (germline): Uncertain significance (1 of 4 stars; one submission).

Allele frequency attached by ClinVar (database versions not stated): gnomAD exomes below 0.00001.
gnomAD v4.1: 2 of 1,613,926 alleles (0.00012%); highest among the groups gnomAD compares: South Asian, 0.0022%; no homozygotes.

Submission:

Labcorp Genetics (formerly Invitae), Labcorp
Classification: Uncertain significance. Last evaluated: 2022-06-26. Review status: criteria provided, single submitter. Criteria: Invitae Variant Classification Sherloc (09022015). Collection method: clinical testing. Allele origin: germline.
Comment: Algorithms developed to predict the effect of missense changes on protein structure and function output the following: SIFT: "Tolerated"; PolyPhen-2: "Benign"; Align-GVGD: "Class C0". The threonine amino acid residue is found in multiple mammalian species, which suggests that this missense change does not adversely affect protein function. This variant has not been reported in the literature in individuals affected with RORB-related conditions. This variant is not present in population databases (gnomAD no frequency). This sequence change replaces methionine, which is neutral and non-polar, with threonine, which is neutral and polar, at codon 231 of the RORB protein (p.Met231Thr). In summary, the available evidence is currently insufficient to determine the role of this variant in disease. Therefore, it has been classified as a Variant of Uncertain Significance.